The following is an entry in ClinVar:

NM_000245.4(MET):c.274C>G (p.His92Asp)

Gene: MET (MET proto-oncogene, receptor tyrosine kinase; plus strand). Cytogenetic location: 7q31.2.
Variant type: single nucleotide variant.
Coding change: c.274C>G on transcript NM_000245.4 (MANE Select); coding-DNA position 274, C replaced by G.
Protein change: p.His92Asp; replaces histidine 92 with aspartic acid.
Molecular consequence: missense variant. On other transcripts: intron variant (1).
Genome position (GRCh38, 1-based): chr7:116,699,358, C>G. VCF-style: chr7-116699358-C-G. GRCh37 (hg19) VCF-style: chr7-116339412-C-G.
Other names: c.274C>G, p.His92Asp (NM_001127500.3, NM_001324401.3); c.-91+26781C>G (NM_001324402.2); short protein forms H92D.
Identifiers: ClinVar variation 821758 (VCV000821758.15), dbSNP rs1375872823, ClinGen allele CA368968712.

ClinVar aggregate classification (germline): Conflicting classifications of pathogenicity. Review status: criteria provided, conflicting classifications (1 of 4 stars). 4 submissions from 4 submitters: Uncertain significance (3); Likely benign (1). Last evaluated 2026-01-23.

Conditions:
Renal cell carcinoma. Identifiers: Orphanet 217071, MedGen C0007134, MeSH D002292, MONDO:0005086, HP:0005584.
Hereditary cancer-predisposing syndrome. Also called: Tumor predisposition; Neoplastic Syndromes, Hereditary; Hereditary Cancer Syndrome; Hereditary neoplastic syndrome. Identifiers: Orphanet 140162, MedGen C0027672, MeSH D009386, MONDO:0015356.

Submissions (4):

Ambry Genetics
Classification: Likely benign for Hereditary cancer-predisposing syndrome. Last evaluated: 2026-01-23. Review status: criteria provided, single submitter. Criteria: Ambry Variant Classification Scheme 2023. Collection method: clinical testing. Allele origin: germline.

Labcorp Genetics (formerly Invitae), Labcorp
Classification: Uncertain significance for Renal cell carcinoma. Last evaluated: 2022-01-11. Review status: criteria provided, single submitter. Criteria: Invitae Variant Classification Sherloc (09022015). Collection method: clinical testing. Allele origin: germline.
Comment: ClinVar contains an entry for this variant (Variation ID: 821758). This variant has not been reported in the literature in individuals affected with MET-related conditions. This variant is not present in population databases (gnomAD no frequency). This sequence change replaces histidine, which is basic and polar, with aspartic acid, which is acidic and polar, at codon 92 of the MET protein (p.His92Asp). Algorithms developed to predict the effect of missense changes on protein structure and function are either unavailable or do not agree on the potential impact of this missense change (SIFT: "Tolerated"; PolyPhen-2: "Probably Damaging"; Align-GVGD: "Class C0"). In summary, the available evidence is currently insufficient to determine the role of this variant in disease. Therefore, it has been classified as a Variant of Uncertain Significance.

Sema4
Classification: Uncertain significance for Hereditary cancer-predisposing syndrome. Last evaluated: 2021-07-14. Review status: criteria provided, single submitter. Criteria: Sema4 Curation Guidelines. Collection method: curation. Allele origin: germline.
Comment: The MET c.274C>G (p.H92D) variant has not been reported in the literature to our knowledge. It was not observed in the Genome Aggregation Database (PMID: 32461654) but has been reported in ClinVar (Variation ID 821758). In silico tools suggest the impact of the variant on protein function is benign, though these predictions have not been confirmed by functional studies. The evidence is insufficient to meet ACMG/AMP criteria for classifying the variant as benign or pathogenic. Thus, the clinical significance of this variant is currently uncertain.

GeneDx
Classification: Uncertain significance. Last evaluated: 2019-06-26. Review status: criteria provided, single submitter. Criteria: GeneDx Variant Classification Process June 2021. Collection method: clinical testing. Allele origin: germline. Affected: yes.
Comment: Not observed in large population cohorts (Lek et al., 2016); In silico analysis, which includes protein predictors and evolutionary conservation, supports that this variant does not alter protein structure/function; Has not been previously published as pathogenic or benign to our knowledge